The following is an entry in ClinVar:

NM_005559.4(LAMA1):c.8454T>C (p.Ser2818=)

Gene: LAMA1 (laminin subunit alpha 1; minus strand). Cytogenetic location: 18p11.31.
Variant type: single nucleotide variant.
Coding change: c.8454T>C on transcript NM_005559.4 (MANE Select); coding-DNA position 8454, T replaced by C.
Protein change: p.Ser2818=; no amino-acid change (serine 2818 retained).
Molecular consequence: synonymous variant.
Genome position (GRCh38, 1-based): chr18:6,949,203, A>G on the plus strand (T>C on the coding strand, the complement: LAMA1 is on the minus strand). VCF-style: chr18-6949203-A-G. GRCh37 (hg19) VCF-style: chr18-6949202-A-G.
Other names: p.Ser2818=.
Identifiers: ClinVar variation 714739 (VCV000714739.13), dbSNP rs145580032, ClinGen allele CA8880465.
Genomic context (GRCh38, chr18:6,949,203, plus strand): 5'-TAGGTAGAACAAACCCTCCACATCCAGCATGGTTCCATCTCCCACCACAGTCACCATGGG[A>G]GACTCTCGGCCGTCGACAGTTATGAAGCCTTTTCTTTTAACATAGTCTGTCTTGACCTAC-3'
Protein context (NP_005550.2, residues 2808-2828): KGFITVDGRE[Ser2818=]PMVTVVGDGT

ClinVar aggregate classification (germline): Benign. Review status: criteria provided, multiple submitters, no conflicts (2 of 4 stars). 4 submissions from 4 submitters: Benign (3). 1 of the submissions does not count toward it. Last evaluated 2026-01-05.

Conditions:
LAMA1-related disorder. Also called: LAMA1-related condition; LAMA1-related disorders.

Allele frequency attached by ClinVar (database versions not stated): gnomAD exomes 0.00054 and 0.00137; ExAC 0.00175; ESP Exome Variant Server 0.00538; gnomAD 0.00560 and 0.00598; TOPMed 0.00623; 1000 Genomes Project 0.00699; 1000 Genomes Project 30x 0.00765.
gnomAD v4.1: 1,672 of 1,614,102 alleles (0.1%); highest among the groups gnomAD compares: African/African-American, 2%; 12 homozygotes.

Submissions (4):

Labcorp Genetics (formerly Invitae), Labcorp
Classification: Benign. Last evaluated: 2026-01-05. Review status: criteria provided, single submitter. Criteria: Invitae Variant Classification Sherloc (09022015). Collection method: clinical testing. Allele origin: germline.

Mayo Clinic Laboratories, Mayo Clinic
Classification: Benign. Last evaluated: 2024-02-20. Review status: criteria provided, single submitter. Criteria: ACMG Guidelines, 2015. Collection method: clinical testing. Allele origin: germline. Observed: 2 variant alleles.
Comment: BS1, BS2, BP4, BP7

Breakthrough Genomics
Classification: Benign. Review status: criteria provided, single submitter. Criteria: ACMG Guidelines, 2015. Collection method: not provided. Allele origin: germline. Inheritance: Autosomal recessive inheritance. Affected: yes.

PreventionGenetics, part of Exact Sciences
Classification: Benign for LAMA1-related condition. Last evaluated: 2019-05-30. Review status: no assertion criteria provided. Collection method: clinical testing. Allele origin: germline. Not counted in ClinVar's aggregate classification.
Comment: This variant is classified as benign based on ACMG/AMP sequence variant interpretation guidelines (Richards et al. 2015 PMID: 25741868, with internal and published modifications).